The following is an entry in ClinVar:

ClinVar aggregate classification (germline): Uncertain significance (1 of 4 stars; one submission).

Allele frequency attached by ClinVar (database versions not stated): TOPMed below 0.00001.

Submission:

Labcorp Genetics (formerly Invitae), Labcorp
Classification: Uncertain significance. Last evaluated: 2022-05-25. Review status: criteria provided, single submitter. Criteria: Invitae Variant Classification Sherloc (09022015). Collection method: clinical testing. Allele origin: germline.
Comment: This sequence change replaces threonine, which is neutral and polar, with isoleucine, which is neutral and non-polar, at codon 4279 of the ANK3 protein (p.Thr4279Ile). This variant is not present in population databases (gnomAD no frequency). This variant has not been reported in the literature in individuals affected with ANK3-related conditions. Algorithms developed to predict the effect of missense changes on protein structure and function output the following: SIFT: "Not Available"; PolyPhen-2: "Benign"; Align-GVGD: "Not Available". The isoleucine amino acid residue is found in multiple mammalian species, which suggests that this missense change does not adversely affect protein function. In summary, the available evidence is currently insufficient to determine the role of this variant in disease. Therefore, it has been classified as a Variant of Uncertain Significance.

NM_020987.5(ANK3):c.12836C>T (p.Thr4279Ile)

Gene: ANK3 (ankyrin 3; minus strand). Cytogenetic location: 10q21.2.
Variant type: single nucleotide variant.
Coding change: c.12836C>T on transcript NM_020987.5 (MANE Select); coding-DNA position 12836, C replaced by T.
Protein change: p.Thr4279Ile; replaces threonine 4279 with isoleucine.
Molecular consequence: missense variant.
Genome position (GRCh38, 1-based): chr10:60,055,887, G>A on the plus strand (C>T on the coding strand, the complement: ANK3 is on the minus strand). VCF-style: chr10-60055887-G-A. GRCh37 (hg19) VCF-style: chr10-61815645-G-A.
Other names: c.2708C>T, p.Thr903Ile (NM_001149.4); c.5288C>T, p.Thr1763Ile (NM_001204403.2); c.5309C>T, p.Thr1770Ile (NM_001204404.2); c.5306C>T, p.Thr1769Ile (NM_001320874.2); short protein forms T903I, T1770I, T1769I, T1763I, T4279I.
Identifiers: ClinVar variation 1958563 (VCV001958563.5), dbSNP rs914801576, ClinGen allele CA207317419.